The following is an entry in ClinVar:

ClinVar aggregate classification (germline): Benign/Likely benign. Review status: criteria provided, multiple submitters, no conflicts (2 of 4 stars). 9 submissions from 9 submitters: Benign (5); Likely benign (3). 1 of the submissions does not count toward it. Last evaluated 2026-06-01.

Conditions:
COL6A2-related disorder.
Collagen 6-related myopathy. Identifiers: MedGen CN117976, MONDO:0100225.
Bethlem myopathy 1A. Also called: MYOPATHY, BENIGN CONGENITAL, WITH CONTRACTURES; Bethlem myopathy 1; Bethlem Muscular Dystrophy. Identifiers: Orphanet 610, MedGen CN029274, MONDO:0024530, OMIM 158810.

Allele frequency attached by ClinVar (database versions not stated): ExAC 0.00098; ESP Exome Variant Server 0.00230; gnomAD 0.00299 and 0.00280; gnomAD exomes 0.00071 and 0.00032; TOPMed 0.00288; 1000 Genomes Project 0.00260; 1000 Genomes Project 30x 0.00281.
gnomAD v4.1: 898 of 1,608,264 alleles (0.056%); highest among the groups gnomAD compares: African/African-American, 0.93%; 6 homozygotes.

Submissions (9):

CeGaT Center for Human Genetics Tuebingen
Classification: Benign. Last evaluated: 2026-06-01. Review status: criteria provided, single submitter. Criteria: CeGaT Center For Human Genetics Tuebingen Variant Classification Criteria Version 2. Collection method: clinical testing. Allele origin: germline. Affected: yes. Observed: 1 variant allele.
Comment: COL6A2: BS1, BS2

Labcorp Genetics (formerly Invitae), Labcorp
Classification: Benign for Bethlem myopathy 1A. Last evaluated: 2026-01-27. Review status: criteria provided, single submitter. Criteria: Invitae Variant Classification Sherloc (09022015). Collection method: clinical testing. Allele origin: germline.

Mayo Clinic Laboratories, Mayo Clinic
Classification: Likely benign. Last evaluated: 2025-09-16. Review status: criteria provided, single submitter. Criteria: ACMG Guidelines, 2015. Collection method: clinical testing. Allele origin: germline. Observed: 1 variant allele.
Comment: BS1

Blueprint Genetics
Classification: Likely benign. Last evaluated: 2024-10-03. Review status: criteria provided, single submitter. Criteria: ACMG Guidelines, 2015. Collection method: clinical testing. Allele origin: germline.

Illumina Laboratory Services, Illumina
Classification: Benign for Collagen VI-related myopathy. Last evaluated: 2018-01-13. Review status: criteria provided, single submitter. Criteria: ICSL Variant Classification Criteria 13 December 2019. Collection method: clinical testing. Allele origin: germline.
Comment: This variant was observed in the ICSL laboratory as part of a predisposition screen in an ostensibly healthy population. It had not been previously curated by ICSL or reported in the Human Gene Mutation Database (HGMD: prior to June 1st, 2018), and was therefore a candidate for classification through an automated scoring system. Utilizing variant allele frequency, disease prevalence and penetrance estimates, and inheritance mode, an automated score was calculated to assess if this variant is too frequent to cause the disease. Based on the score and internal cut-off values, a variant classified as benign is not then subjected to further curation. The score for this variant resulted in a classification of benign for this disease.

GeneDx
Classification: Benign. Last evaluated: 2017-05-02. Review status: criteria provided, single submitter. Criteria: GeneDx Variant Classification (06012015). Collection method: clinical testing. Allele origin: germline. Affected: yes.
Comment: This variant is considered likely benign or benign based on one or more of the following criteria: it is a conservative change, it occurs at a poorly conserved position in the protein, it is predicted to be benign by multiple in silico algorithms, and/or has population frequency not consistent with disease.

Eurofins Ntd Llc (ga)
Classification: Benign. Last evaluated: 2015-11-11. Review status: criteria provided, single submitter. Criteria: EGL Classification Definitions 2015. Collection method: clinical testing. Allele origin: germline. Observed: 3 variant alleles, 3 heterozygotes.

Breakthrough Genomics
Classification: Likely benign. Review status: criteria provided, single submitter. Criteria: ACMG Guidelines, 2015. Collection method: not provided. Allele origin: germline. Inheritance: Autosomal recessive inheritance. Affected: yes.

PreventionGenetics, part of Exact Sciences
Classification: Likely benign for COL6A2-related condition. Last evaluated: 2020-02-10. Review status: no assertion criteria provided. Collection method: clinical testing. Allele origin: germline. Not counted in ClinVar's aggregate classification.
Comment: This variant is classified as likely benign based on ACMG/AMP sequence variant interpretation guidelines (Richards et al. 2015 PMID: 25741868, with internal and published modifications).

NM_001849.4(COL6A2):c.499G>A (p.Gly167Ser)

Gene: COL6A2 (collagen type VI alpha 2 chain; plus strand). Cytogenetic location: 21q22.3.
Variant type: single nucleotide variant.
Coding change: c.499G>A on transcript NM_001849.4 (MANE Select); coding-DNA position 499, G replaced by A.
Protein change: p.Gly167Ser; replaces glycine 167 with serine.
Molecular consequence: missense variant.
Genome position (GRCh38, 1-based): chr21:46,112,362, G>A. VCF-style: chr21-46112362-G-A. GRCh37 (hg19) VCF-style: chr21-47532276-G-A.
Other names: c.499G>A, p.Gly167Ser (NM_058174.3, NM_058175.3); short protein forms G167S.
Identifiers: ClinVar variation 93954 (VCV000093954.26), dbSNP rs115957676, ClinGen allele CA221837.